The following is an entry in ClinVar:

ClinVar aggregate classification (germline): Uncertain significance. Review status: criteria provided, multiple submitters, no conflicts (2 of 4 stars). 2 submissions from 2 submitters: Uncertain significance (2). Last evaluated 2025-07-04.

Conditions:
Inborn genetic diseases. Identifiers: MedGen C0950123, MeSH D030342.

Allele frequency attached by ClinVar (database versions not stated): gnomAD exomes 0.00002; TOPMed 0.00003; gnomAD 0.00001; ExAC 0.00004.
gnomAD v4.1: 14 of 1,592,080 alleles (0.00088%); highest among the groups gnomAD compares: Admixed American, 0.025%; no homozygotes.

Submissions (2):

Ambry Genetics
Classification: Uncertain significance for Inborn genetic diseases. Last evaluated: 2025-07-04. Review status: criteria provided, single submitter. Criteria: Ambry Variant Classification Scheme 2023. Collection method: clinical testing. Allele origin: germline.

Labcorp Genetics (formerly Invitae), Labcorp
Classification: Uncertain significance. Last evaluated: 2024-10-23. Review status: criteria provided, single submitter. Criteria: Invitae Variant Classification Sherloc (09022015). Collection method: clinical testing. Allele origin: germline.
Comment: This sequence change replaces asparagine, which is neutral and polar, with aspartic acid, which is acidic and polar, at codon 1504 of the FRAS1 protein (p.Asn1504Asp). The frequency data for this variant in the population databases is considered unreliable, as metrics indicate poor data quality at this position in the gnomAD database. This variant has not been reported in the literature in individuals affected with FRAS1-related conditions. ClinVar contains an entry for this variant (Variation ID: 2067086). Invitae Evidence Modeling of protein sequence and biophysical properties (such as structural, functional, and spatial information, amino acid conservation, physicochemical variation, residue mobility, and thermodynamic stability) has been performed for this missense variant. However, the output from this modeling did not meet the statistical confidence thresholds required to predict the impact of this variant on FRAS1 protein function. In summary, the available evidence is currently insufficient to determine the role of this variant in disease. Therefore, it has been classified as a Variant of Uncertain Significance.

NM_025074.7(FRAS1):c.4510A>G (p.Asn1504Asp)

Gene: FRAS1 (Fraser extracellular matrix complex subunit 1; plus strand). Cytogenetic location: 4q21.21.
Variant type: single nucleotide variant.
Coding change: c.4510A>G on transcript NM_025074.7 (MANE Select); coding-DNA position 4510, A replaced by G.
Protein change: p.Asn1504Asp; replaces asparagine 1504 with aspartic acid.
Molecular consequence: missense variant.
Genome position (GRCh38, 1-based): chr4:78,419,033, A>G. VCF-style: chr4-78419033-A-G. GRCh37 (hg19) VCF-style: chr4-79340187-A-G.
Other names: c.4510A>G, p.Asn1504Asp (NM_001166133.2); c.4510A>G (NM_025074.6); short protein forms N1504D.
Identifiers: ClinVar variation 2067086 (VCV002067086.4), dbSNP rs773205564, ClinGen allele CA2977220.
Genomic context (GRCh38, chr4:78,419,033, plus strand): 5'-ATTCAGCCTCATTCCCTCTCCTTCATAAACTCTGAGAAGCCAAGTGGAAAGATTGTCTAC[A>G]ACATCACTCTACCTCTGCATCCAAATCAAGGTAAGATGTGCAGTAAATGATCTTTTGAGT-3'
Protein context (NP_079350.5, residues 1494-1514): SEKPSGKIVY[Asn1504Asp]ITLPLHPNQG